The following is an entry in ClinVar:

ClinVar aggregate classification (germline): Uncertain significance (1 of 4 stars; one submission).

Submission:

GeneDx
Classification: Uncertain significance. Last evaluated: 2025-05-10. Review status: criteria provided, single submitter. Criteria: GeneDx Variant Classification Process June 2021. Collection method: clinical testing. Allele origin: germline. Affected: yes.
Comment: Not observed at significant frequency in large population cohorts (gnomAD); In silico analysis supports that this missense variant has a deleterious effect on protein structure/function; Has not been previously published as pathogenic or benign to our knowledge

NM_001378974.1(FBXW11):c.1489C>T (p.Pro497Ser)

Gene: FBXW11 (F-box and WD repeat domain containing 11; minus strand). Cytogenetic location: 5q35.1.
Variant type: single nucleotide variant.
Coding change: c.1489C>T on transcript NM_001378974.1 (MANE Select); coding-DNA position 1489, C replaced by T.
Protein change: p.Pro497Ser; replaces proline 497 with serine.
Molecular consequence: missense variant.
Genome position (GRCh38, 1-based): chr5:171,869,770, G>A on the plus strand (C>T on the coding strand, the complement: FBXW11 is on the minus strand). VCF-style: chr5-171869770-G-A. GRCh37 (hg19) VCF-style: chr5-171296774-G-A.
Other names: c.1420C>T, p.Pro474Ser (NM_001378975.1); c.1393C>T, p.Pro465Ser (NM_001378976.1); c.1330C>T, p.Pro444Ser (NM_001378977.1, NM_001378978.1, NM_001378979.1); c.1324C>T, p.Pro442Ser (NM_001378980.1, NM_033645.3); c.1426C>T, p.Pro476Ser (NM_012300.3); c.1387C>T, p.Pro463Ser (NM_033644.3); short protein forms P442S, P444S, P463S, P465S, P474S, P476S, P497S.
Identifiers: ClinVar variation 4529948 (VCV004529948.1).